The following is an entry in ClinVar:

NM_003749.3(IRS2):c.3983A>G (p.His1328Arg)

Gene: IRS2 (insulin receptor substrate 2; minus strand). Cytogenetic location: 13q34.
Variant type: single nucleotide variant.
Coding change: c.3983A>G on transcript NM_003749.3 (MANE Select); coding-DNA position 3983, A replaced by G.
Protein change: p.His1328Arg; replaces histidine 1328 with arginine.
Molecular consequence: missense variant.
Genome position (GRCh38, 1-based): chr13:109,782,071, T>C on the plus strand (A>G on the coding strand, the complement: IRS2 is on the minus strand). VCF-style: chr13-109782071-T-C. GRCh37 (hg19) VCF-style: chr13-110434418-T-C.
Other names: short protein forms H1328R.
Identifiers: ClinVar variation 1049070 (VCV001049070.2), dbSNP rs140969440, ClinGen allele CA7046027.

ClinVar aggregate classification (germline): Likely benign. Review status: criteria provided, single submitter (1 of 4 stars). 2 submissions from 2 submitters: Likely benign (1). 1 of the submissions does not count toward it. Last evaluated 2026-08-01.

Allele frequency attached by ClinVar (database versions not stated): ESP Exome Variant Server 0.00016; gnomAD 0.00027 and 0.00032; TOPMed 0.00033; gnomAD exomes 0.00040 and 0.00055; ExAC 0.00048; 1000 Genomes Project 30x 0.00078; 1000 Genomes Project 0.00100.
gnomAD v4.1: 836 of 1,612,438 alleles (0.052%); highest among the groups gnomAD compares: South Asian, 0.13%; no homozygotes.

Submissions (2):

CeGaT Center for Human Genetics Tuebingen
Classification: Likely benign. Last evaluated: 2026-08-01. Review status: criteria provided, single submitter. Criteria: CeGaT Center For Human Genetics Tuebingen Variant Classification Criteria Version 2. Collection method: clinical testing. Allele origin: germline. Affected: yes. Observed: 1 variant allele.
Comment: IRS2: BS1

Department of Pathology and Laboratory Medicine, Sinai Health System
Classification: Uncertain significance. Review status: no assertion criteria provided. Collection method: clinical testing. Allele origin: unknown. Affected: yes. Study: The Canadian Open Genetics Repository (COGR). Not counted in ClinVar's aggregate classification.